The following is an entry in ClinVar:

ClinVar aggregate classification (germline): Uncertain significance. Review status: criteria provided, multiple submitters, no conflicts (2 of 4 stars). 2 submissions from 2 submitters: Uncertain significance (2). Last evaluated 2022-12-28.

Conditions:
Inborn genetic diseases. Identifiers: MedGen C0950123, MeSH D030342.

Allele frequency attached by ClinVar (database versions not stated): gnomAD exomes below 0.00001; ExAC 0.00002.
gnomAD v4.1: 2 of 1,613,734 alleles (0.00012%); highest among the groups gnomAD compares: Non-Finnish European, 0.00017%; no homozygotes.

Submissions (2):

Ambry Genetics
Classification: Uncertain significance for Inborn genetic diseases. Last evaluated: 2022-12-28. Review status: criteria provided, single submitter. Criteria: Ambry Variant Classification Scheme 2023. Collection method: clinical testing. Allele origin: germline.

Labcorp Genetics (formerly Invitae), Labcorp
Classification: Uncertain significance. Last evaluated: 2022-08-20. Review status: criteria provided, single submitter. Criteria: Invitae Variant Classification Sherloc (09022015). Collection method: clinical testing. Allele origin: germline.
Comment: Algorithms developed to predict the effect of missense changes on protein structure and function are either unavailable or do not agree on the potential impact of this missense change (SIFT: "Tolerated"; PolyPhen-2: "Probably Damaging"; Align-GVGD: "Class C0"). In summary, the available evidence is currently insufficient to determine the role of this variant in disease. Therefore, it has been classified as a Variant of Uncertain Significance. Algorithms developed to predict the effect of sequence changes on RNA splicing suggest that this variant may disrupt the consensus splice site. This variant has not been reported in the literature in individuals affected with TUBGCP6-related conditions. This variant is present in population databases (rs769725405, gnomAD 0.002%). This sequence change replaces tyrosine, which is neutral and polar, with cysteine, which is neutral and slightly polar, at codon 1606 of the TUBGCP6 protein (p.Tyr1606Cys).

NM_020461.4(TUBGCP6):c.4817A>G (p.Tyr1606Cys)

Gene: TUBGCP6 (tubulin gamma complex component 6; minus strand). Cytogenetic location: 22q13.33.
Variant type: single nucleotide variant.
Coding change: c.4817A>G on transcript NM_020461.4 (MANE Select); coding-DNA position 4817, A replaced by G.
Protein change: p.Tyr1606Cys; replaces tyrosine 1606 with cysteine.
Molecular consequence: missense variant.
Genome position (GRCh38, 1-based): chr22:50,218,707, T>C on the plus strand (A>G on the coding strand, the complement: TUBGCP6 is on the minus strand). VCF-style: chr22-50218707-T-C. GRCh37 (hg19) VCF-style: chr22-50657136-T-C.
Other names: short protein forms Y1606C.
Identifiers: ClinVar variation 1915522 (VCV001915522.6), dbSNP rs769725405, ClinGen allele CA10307336.